The following is an entry in ClinVar:

ClinVar aggregate classification (germline): Likely pathogenic. Review status: criteria provided, multiple submitters, no conflicts (2 of 4 stars). 2 submissions from 2 submitters: Likely pathogenic (2). Last evaluated 2025-06-06.

Conditions:
Methylmalonic aciduria and homocystinuria type cblD (MAHCD). Also called: Methylmalonic aciduria with homocystinuria cblD type; METHYLMALONIC ACIDEMIA, cblH TYPE. Identifiers: Orphanet 622, Orphanet 79283, MedGen C1848552, MONDO:0010185, OMIM 277410.

Submissions (2):

Natera, Inc.
Classification: Likely pathogenic for Methylmalonic aciduria with homocystinuria cblD type. Last evaluated: 2025-06-06. Review status: criteria provided, single submitter. Criteria: Natera Variant Classification Schema (03/2026). Collection method: clinical testing. Allele origin: germline.
Comment: The c.728_729delTT variant in MMADHC is a frameshift variant predicted to shift the reading frame and introduce a stop codon. This variant is expected to result in nonsense mediated decay, truncation, or a dysfunctional protein product. This variant is rare in the general population with a frequency below the threshold expected for the associated phenotype(s). Given the available evidence, this variant is classified as Likely Pathogenic.

Baylor Genetics
Classification: Likely pathogenic for Methylmalonic aciduria and homocystinuria type cblD. Last evaluated: 2022-07-14. Review status: criteria provided, single submitter. Criteria: ACMG Guidelines, 2015. Collection method: clinical testing. Allele origin: unknown.

NM_015702.3(MMADHC):c.728_729del (p.Leu242_Phe243insTer)

Gene: MMADHC (metabolism of cobalamin associated D; minus strand). Cytogenetic location: 2q23.2.
Variant type: Deletion.
Coding change: c.728_729del on transcript NM_015702.3 (MANE Select); coding-DNA positions 728 to 729, 2 bases deleted (TT; older notation c.728_729delTT).
Protein change: p.Leu242_Phe243insTer.
Molecular consequence: nonsense.
Genome position (GRCh38, 1-based): chr2:149,570,136-149,570,137, AA deleted on the plus strand (TT on the coding strand, the reverse complement: MMADHC is on the minus strand); deleting any 2 consecutive bases within chr2:149,570,136-149,570,140 gives the same sequence; the c. name uses the placement nearest the transcript's 3' end. VCF-style (leftmost placement, unchanged base first): chr2-149570135-CAA-C. GRCh37 (hg19) VCF-style: chr2-150426649-CAA-C.
Other names: c.728_729delTT (NM_015702.2).
Identifiers: ClinVar variation 2676641 (VCV002676641.2), dbSNP rs1682617375, ClinGen allele CA1297264337.
Genomic context (GRCh38, chr2:149,570,135, plus strand): 5'-CTTTACAGCATCCAAGGTCATCAACAGAGAATCCTAAATGTCGGTAGCGTTCATCAGTTT[CAA>C]AAAGAGTGTTGTTTGTATATGGTCCAAAAAACTGAGGAAATAAAAACGAAATATTCTCAT-3'